The following is an entry in ClinVar:

ClinVar aggregate classification (germline): Uncertain significance (0 of 4 stars; one submission).

Conditions:
UTP4-related disorder. Also called: UTP4-related condition.

Submission:

PreventionGenetics, part of Exact Sciences
Classification: Uncertain significance for UTP4-related condition. Last evaluated: 2024-03-28. Review status: no assertion criteria provided. Collection method: clinical testing. Allele origin: germline.
Comment: The UTP4 c.1559G>A variant is predicted to result in the amino acid substitution p.Cys520Tyr. To our knowledge, this variant has not been reported in the literature or in a large population database, indicating this variant is rare. At this time, the clinical significance of this variant is uncertain due to the absence of conclusive functional and genetic evidence.

NM_032830.3(UTP4):c.1559G>A (p.Cys520Tyr)

Gene: UTP4 (UTP4 small subunit processome component). Cytogenetic location: 16q22.1.
Variant type: single nucleotide variant.
Coding change: c.1559G>A on transcript NM_032830.3 (MANE Select); coding-DNA position 1559, G replaced by A.
Protein change: p.Cys520Tyr; replaces cysteine 520 with tyrosine.
Molecular consequence: missense variant.
Genome position (GRCh38, 1-based): chr16:69,163,090, G>A. VCF-style: chr16-69163090-G-A. GRCh37 (hg19) VCF-style: chr16-69196993-G-A.
Other names: c.1310G>A, p.Cys437Tyr (NM_001318391.2); short protein forms C437Y, C520Y.
Identifiers: ClinVar variation 3348687 (VCV003348687.1).
Genomic context (GRCh38, chr16:69,163,090, plus strand): 5'-CTGAGGAAAAGTGTCACTTAGAGTTGCCACTTGTGTCTGTTATTTGTTCCCAGCTTCACT[G>A]CACGGTGCCTGCTTACAATTTCCCAGTGACTGCTATGGCTATTGCCCCCAATACCAACAA-3'
Protein context (NP_116219.2, residues 510-530): VYNVKQLKLH[Cys520Tyr]TVPAYNFPVT